The following is an entry in ClinVar:

ClinVar aggregate classification (germline): Uncertain significance (1 of 4 stars; one submission).

Conditions:
Chromosome 2q32-q33 deletion syndrome (GLASS). Also called: 2q33.1 deletion syndrome; Glass syndrome. Identifiers: Orphanet 251019, MedGen C2676739, MONDO:0012864, OMIM 612313.

Submission:

Labcorp Genetics (formerly Invitae), Labcorp
Classification: Uncertain significance for Chromosome 2q32-q33 deletion syndrome. Last evaluated: 2023-11-27. Review status: criteria provided, single submitter. Criteria: Invitae Variant Classification Sherloc (09022015). Collection method: clinical testing. Allele origin: germline.
Comment: This sequence change replaces glutamic acid, which is acidic and polar, with lysine, which is basic and polar, at codon 709 of the SATB2 protein (p.Glu709Lys). This variant is not present in population databases (gnomAD no frequency). This variant has not been reported in the literature in individuals affected with SATB2-related conditions. ClinVar contains an entry for this variant (Variation ID: 657003). Advanced modeling performed at Invitae incorporating data from internal and/or published experimental studies (Invitae) indicates that this missense variant is not expected to disrupt SATB2 function with a negative predictive value of 95%. In summary, the available evidence is currently insufficient to determine the role of this variant in disease. Therefore, it has been classified as a Variant of Uncertain Significance.

NM_001172509.2(SATB2):c.2125G>A (p.Glu709Lys)

Genes: SATB2 (SATB homeobox 2; minus strand), LOC126806462 (MED14-independent group 3 enhancer GRCh37_chr2:200136608-200137807; plus strand). Cytogenetic location: 2q33.1.
Variant type: single nucleotide variant.
Coding change: c.2125G>A on transcript NM_001172509.2 (MANE Select); coding-DNA position 2125, G replaced by A.
Protein change: p.Glu709Lys; replaces glutamic acid 709 with lysine.
Molecular consequence: missense variant.
Genome position (GRCh38, 1-based): chr2:199,272,288, C>T on the plus strand (G>A on the coding strand, the complement: SATB2 is on the minus strand). VCF-style: chr2-199272288-C-T. GRCh37 (hg19) VCF-style: chr2-200137011-C-T.
Other names: c.2125G>A, p.Glu709Lys (NM_001172517.1, NM_015265.4); short protein forms E709K.
Identifiers: ClinVar variation 657003 (VCV000657003.9), dbSNP rs1574458712, ClinGen allele CA350385096.